The following is an entry in ClinVar:

ClinVar aggregate classification (germline): Uncertain significance (1 of 4 stars; one submission).

Conditions:
Combined immunodeficiency due to DOCK8 deficiency (HIES2). Also called: HYPER-IgE SYNDROME 2, AUTOSOMAL RECESSIVE, WITH RECURRENT INFECTIONS; Hyper-IgE recurrent infection syndrome, autosomal recessive; HIES autosomal recessive; DOCK8 Deficiency; HYPER-IgE RECURRENT INFECTION SYNDROME 2, AUTOSOMAL RECESSIVE. Identifiers: Orphanet 217390, MedGen C4722305, MONDO:0009478, OMIM 243700.

Submission:

Labcorp Genetics (formerly Invitae), Labcorp
Classification: Uncertain significance for Combined immunodeficiency due to DOCK8 deficiency. Last evaluated: 2023-12-11. Review status: criteria provided, single submitter. Criteria: Invitae Variant Classification Sherloc (09022015). Collection method: clinical testing. Allele origin: germline.
Comment: This sequence change replaces cysteine, which is neutral and slightly polar, with tyrosine, which is neutral and polar, at codon 746 of the DOCK8 protein (p.Cys746Tyr). This variant is not present in population databases (gnomAD no frequency). This variant has not been reported in the literature in individuals affected with DOCK8-related conditions. ClinVar contains an entry for this variant (Variation ID: 579417). Advanced modeling of protein sequence and biophysical properties (such as structural, functional, and spatial information, amino acid conservation, physicochemical variation, residue mobility, and thermodynamic stability) performed at Invitae indicates that this missense variant is not expected to disrupt DOCK8 protein function with a negative predictive value of 80%. In summary, the available evidence is currently insufficient to determine the role of this variant in disease. Therefore, it has been classified as a Variant of Uncertain Significance.

NM_203447.4(DOCK8):c.2237G>A (p.Cys746Tyr)

Gene: DOCK8 (dedicator of cytokinesis 8; plus strand). Cytogenetic location: 9p24.3.
Variant type: single nucleotide variant.
Coding change: c.2237G>A on transcript NM_203447.4 (MANE Select); coding-DNA position 2237, G replaced by A.
Protein change: p.Cys746Tyr; replaces cysteine 746 with tyrosine.
Molecular consequence: missense variant.
Genome position (GRCh38, 1-based): chr9:377,008, G>A. VCF-style: chr9-377008-G-A. GRCh37 (hg19) VCF-style: chr9-377008-G-A.
Other names: c.2033G>A, p.Cys678Tyr (NM_001190458.2, NM_001193536.2); short protein forms C746Y, C678Y.
Identifiers: ClinVar variation 579417 (VCV000579417.9), dbSNP rs1563982826, ClinGen allele CA372763082.